The following is an entry in ClinVar:

NM_002249.6(KCNN3):c.681C>T (p.Asn227=)

Gene: KCNN3 (potassium calcium-activated channel subfamily N member 3; minus strand). Cytogenetic location: 1q21.3.
Variant type: single nucleotide variant.
Coding change: c.681C>T on transcript NM_002249.6 (MANE Select); coding-DNA position 681, C replaced by T.
Protein change: p.Asn227=; no amino-acid change (asparagine 227 retained).
Molecular consequence: synonymous variant.
Genome position (GRCh38, 1-based): chr1:154,869,284, G>A on the plus strand (C>T on the coding strand, the complement: KCNN3 is on the minus strand). VCF-style: chr1-154869284-G-A. GRCh37 (hg19) VCF-style: chr1-154841760-G-A.
Other names: c.681C>T, p.Asn227= (NM_001204087.2).
Identifiers: ClinVar variation 3389896 (VCV003389896.14).

ClinVar aggregate classification (germline): Likely benign (1 of 4 stars; one submission).

gnomAD v4.1: 52 of 1,614,002 alleles (0.0032%); highest among the groups gnomAD compares: South Asian, 0.048%; no homozygotes.

Submission:

CeGaT Center for Human Genetics Tuebingen
Classification: Likely benign. Last evaluated: 2024-10-01. Review status: criteria provided, single submitter. Criteria: CeGaT Center For Human Genetics Tuebingen Variant Classification Criteria Version 2. Collection method: clinical testing. Allele origin: germline. Affected: yes. Observed: 1 variant allele.
Comment: KCNN3: BP4, BP7